The following is an entry in ClinVar:

ClinVar aggregate classification (germline): Pathogenic (1 of 4 stars; one submission).

gnomAD v4.1: 1 of 1,614,166 alleles (0.000062%); highest among the groups gnomAD compares: East Asian, 0.0022%; no homozygotes.

Submission:

Labcorp Genetics (formerly Invitae), Labcorp
Classification: Pathogenic. Last evaluated: 2024-06-29. Review status: criteria provided, single submitter. Criteria: Invitae Variant Classification Sherloc (09022015). Collection method: clinical testing. Allele origin: germline.
Comment: This sequence change creates a premature translational stop signal (p.Gln272*) in the MCM3AP gene. It is expected to result in an absent or disrupted protein product. Loss-of-function variants in MCM3AP are known to be pathogenic (PMID: 28633435). This variant is not present in population databases (gnomAD no frequency). This variant has not been reported in the literature in individuals affected with MCM3AP-related conditions. For these reasons, this variant has been classified as Pathogenic.

Literature cited by the submitters: PubMed 28633435.

NM_003906.5(MCM3AP):c.814C>T (p.Gln272Ter)

Gene: MCM3AP (minichromosome maintenance complex component 3 associated protein; minus strand). Cytogenetic location: 21q22.3.
Variant type: single nucleotide variant.
Coding change: c.814C>T on transcript NM_003906.5 (MANE Select); coding-DNA position 814, C replaced by T.
Protein change: p.Gln272Ter; replaces glutamine 272 with a stop codon.
Molecular consequence: nonsense.
Genome position (GRCh38, 1-based): chr21:46,284,473, G>A on the plus strand (C>T on the coding strand, the complement: MCM3AP is on the minus strand). VCF-style: chr21-46284473-G-A. GRCh37 (hg19) VCF-style: chr21-47704387-G-A.
Other names: short protein forms Q272*.
Identifiers: ClinVar variation 3682822 (VCV003682822.2).